The following is an entry in ClinVar:

ClinVar aggregate classification (germline): Pathogenic. Review status: criteria provided, multiple submitters, no conflicts (2 of 4 stars). 2 submissions from 2 submitters: Pathogenic (2). Last evaluated 2023-05-11.
ClinVar aggregate classification (oncogenicity): Likely oncogenic (1 of 4 stars; one submission).

Conditions:
Familial adenomatous polyposis 1 (FAP1). Also called: POLYPOSIS, ADENOMATOUS INTESTINAL; FAMILIAL ADENOMATOUS POLYPOSIS 1, ATTENUATED. Identifiers: MedGen C2713442, MONDO:0021056, OMIM 175100. Disease mechanism: loss of function.
Neoplasm. Also called: tumor; Neoplasms; Neoplasm (disease). Identifiers: MedGen C0027651, MeSH D009369, MONDO:0005070, HP:0002664.

Submissions (3):

Center for Genomic Medicine, Rigshospitalet, Copenhagen University Hospital
Classification: Likely oncogenic for Neoplasm. Last evaluated: 2025-12-29. Review status: criteria provided, single submitter. Criteria: ClinGen/CGC/VICC Guidelines for Oncogenicity, 2022. Collection method: clinical testing. Allele origin: somatic. Affected: yes.

Myriad Genetics, Inc.
Classification: Pathogenic for Familial adenomatous polyposis 1. Last evaluated: 2023-05-11. Review status: criteria provided, single submitter. Criteria: Myriad Autosomal Dominant, Autosomal Recessive and X-Linked Classification Criteria (2023). Collection method: clinical testing. Allele origin: unknown.
Comment: This variant is considered pathogenic. This variant creates a termination codon and is predicted to result in premature protein truncation.

Labcorp Genetics (formerly Invitae), Labcorp
Classification: Pathogenic for Familial adenomatous polyposis 1. Last evaluated: 2020-12-22. Review status: criteria provided, single submitter. Criteria: Invitae Variant Classification Sherloc (09022015). Collection method: clinical testing. Allele origin: germline.
Comment: This variant has been observed in individual(s) with clinical features of familial adenomatosis polyposis (PMID: 19444466, 20685668). A different truncation (p.Tyr2645Lysfs*14) that lies downstream of this variant has been determined to be pathogenic (PMID: 9824584, 1316610, 27081525, 8381579, 22135120, Invitae). This suggests that deletion of this region of the APC protein is causative of disease. For these reasons, this variant has been classified as Pathogenic. This variant is expected to disrupt the EB1 and HDLG binding sites, which mediate interactions with the cytoskeleton (PMID: 15311282, 17293347). While functional studies have not been performed to directly test the effect on APC protein function, this suggests that disruption of the C-terminal portion of the protein is functionally important. This variant is not present in population databases (ExAC no frequency). This sequence change creates a premature translational stop signal (p.Leu1488*) in the APC gene. While this is not anticipated to result in nonsense mediated decay, it is expected to disrupt the last 1356 amino acid(s) of the APC protein.

Literature cited by the submitters: PubMed 18199528 (cited by Center for Genomic Medicine, Rigshospitalet, Copenhagen University Hospital); PubMed 10346819 (cited by Center for Genomic Medicine, Rigshospitalet, Copenhagen University Hospital); PubMed 9824584 (cited by Labcorp Genetics (formerly Invitae), Labcorp); PubMed 1316610 (cited by Labcorp Genetics (formerly Invitae), Labcorp); PubMed 27081525 (cited by Labcorp Genetics (formerly Invitae), Labcorp); PubMed 8381579 (cited by Labcorp Genetics (formerly Invitae), Labcorp); PubMed 22135120 (cited by Labcorp Genetics (formerly Invitae), Labcorp); PubMed 15311282 (cited by Labcorp Genetics (formerly Invitae), Labcorp); PubMed 17293347 (cited by Labcorp Genetics (formerly Invitae), Labcorp).

NM_000038.6(APC):c.4463T>G (p.Leu1488Ter)

Gene: APC (APC regulator of Wnt signaling pathway; plus strand). Cytogenetic location: 5q22.2.
Variant type: single nucleotide variant.
Coding change: c.4463T>G on transcript NM_000038.6 (MANE Select); coding-DNA position 4463, T replaced by G.
Protein change: p.Leu1488Ter; replaces leucine 1488 with a stop codon.
Molecular consequence: nonsense.
Genome position (GRCh38, 1-based): chr5:112,840,057, T>G. VCF-style: chr5-112840057-T-G. GRCh37 (hg19) VCF-style: chr5-112175754-T-G.
Other names: c.4463T>G, p.Leu1488Ter (NM_001127510.3, NM_001354895.2); c.4409T>G, p.Leu1470Ter (NM_001127511.3); c.4517T>G, p.Leu1506Ter (NM_001354896.2); c.4493T>G, p.Leu1498Ter (NM_001354897.2); c.4388T>G, p.Leu1463Ter (NM_001354898.2); c.4379T>G, p.Leu1460Ter (NM_001354899.2); c.4340T>G, p.Leu1447Ter (NM_001354900.2); c.4286T>G, p.Leu1429Ter (NM_001354901.2); and 5 more; short protein forms L1447*, L1460*, L1470*, L1205*, L1488*, L1498*, L1362*, L1387*.
Identifiers: ClinVar variation 1382846 (VCV001382846.10), dbSNP rs786202324, ClinGen allele CA16031099.